The following is an entry in ClinVar:

ClinVar aggregate classification (germline): Pathogenic (1 of 4 stars; one submission).

Conditions:
Bifunctional peroxisomal enzyme deficiency (DBIF). Also called: DBP DEFICIENCY; PBFE DEFICIENCY; D-bifunctional protein deficiency. Identifiers: Orphanet 300, MedGen C0342870, MONDO:0009855, OMIM 261515. Disease mechanism: loss of function.
Perrault syndrome. Also called: Gonadal dysgenesis with auditory dysfunction, autosomal recessive inheritance. Identifiers: Orphanet 2855, MedGen C0685838, MONDO:0017312.

Submission:

Labcorp Genetics (formerly Invitae), Labcorp
Classification: Pathogenic for Perrault syndrome; Bifunctional peroxisomal enzyme deficiency. Last evaluated: 2023-06-03. Review status: criteria provided, single submitter. Criteria: Invitae Variant Classification Sherloc (09022015). Collection method: clinical testing. Allele origin: germline.
Comment: For these reasons, this variant has been classified as Pathogenic. This variant has not been reported in the literature in individuals affected with HSD17B4-related conditions. This variant is not present in population databases (gnomAD no frequency). This sequence change creates a premature translational stop signal (p.Glu297*) in the HSD17B4 gene. It is expected to result in an absent or disrupted protein product. Loss-of-function variants in HSD17B4 are known to be pathogenic (PMID: 11810648, 16385454, 20673864).

Literature cited by the submitters: PubMed 11810648; PubMed 16385454; PubMed 20673864.

NM_000414.4(HSD17B4):c.889G>T (p.Glu297Ter)

Gene: HSD17B4 (hydroxysteroid 17-beta dehydrogenase 4; plus strand). Cytogenetic location: 5q23.1.
Variant type: single nucleotide variant.
Coding change: c.889G>T on transcript NM_000414.4 (MANE Select); coding-DNA position 889, G replaced by T.
Protein change: p.Glu297Ter; replaces glutamic acid 297 with a stop codon.
Molecular consequence: nonsense. On other transcripts: non-coding transcript variant (2).
Genome position (GRCh38, 1-based): chr5:119,496,563, G>T. VCF-style: chr5-119496563-G-T. GRCh37 (hg19) VCF-style: chr5-118832258-G-T.
Other names: c.964G>T, p.Glu322Ter (NM_001199291.3); c.835G>T, p.Glu279Ter (NM_001199292.2); c.817G>T, p.Glu273Ter (NM_001292027.2); c.469G>T, p.Glu157Ter (NM_001292028.2); c.880G>T, p.Glu294Ter (NM_001374497.1); c.889G>T, p.Glu297Ter (NM_001374498.1); c.562G>T, p.Glu188Ter (NM_001374499.1); c.448G>T, p.Glu150Ter (NM_001374500.1); and 1 more; short protein forms E294*, E297*, E157*, E160*, E188*, E273*, E150*, E279*.
Identifiers: ClinVar variation 2948457 (VCV002948457.3), dbSNP rs2531723063, ClinGen allele CA360867666.